The following is an entry in ClinVar:

ClinVar aggregate classification (germline): Benign/Likely benign. Review status: criteria provided, multiple submitters, no conflicts (2 of 4 stars). 3 submissions from 3 submitters: Benign (1); Likely benign (2). Last evaluated 2026-01-30.

Conditions:
Usher syndrome type 1 (USH1). Also called: RETINITIS PIGMENTOSA AND CONGENITAL DEAFNESS. Identifiers: Orphanet 231169, Orphanet 886, MedGen C1568247, MONDO:0010168, OMIM 276900.

Allele frequency attached by ClinVar (database versions not stated): gnomAD exomes 0.00102; TOPMed 0.00421; gnomAD 0.00398 and 0.00428; 1000 Genomes Project 0.00499; 1000 Genomes Project 30x 0.00578; ExAC 0.00122.
gnomAD v4.1: 1,140 of 1,594,570 alleles (0.071%); highest among the groups gnomAD compares: African/African-American, 1.3%; 5 homozygotes.

Submissions (3):

Labcorp Genetics (formerly Invitae), Labcorp
Classification: Benign. Last evaluated: 2026-01-30. Review status: criteria provided, single submitter. Criteria: Invitae Variant Classification Sherloc (09022015). Collection method: clinical testing. Allele origin: germline.

Blueprint Genetics
Classification: Likely benign. Last evaluated: 2024-11-05. Review status: criteria provided, single submitter. Criteria: ACMG Guidelines, 2015. Collection method: clinical testing. Allele origin: germline.

Illumina Laboratory Services, Illumina
Classification: Likely benign for Usher syndrome type 1. Last evaluated: 2018-01-13. Review status: criteria provided, single submitter. Criteria: ICSL Variant Classification Criteria 13 December 2019. Collection method: clinical testing. Allele origin: germline.
Comment: This variant was observed in the ICSL laboratory as part of a predisposition screen in an ostensibly healthy population. It had not been previously curated by ICSL or reported in the Human Gene Mutation Database (HGMD: prior to June 1st, 2018), and was therefore a candidate for classification through an automated scoring system. Utilizing variant allele frequency, disease prevalence and penetrance estimates, and inheritance mode, an automated score was calculated to assess if this variant is too frequent to cause the disease. Based on the score and internal cut-off values, a variant classified as likely benign is not then subjected to further curation. The score for this variant resulted in a classification of likely benign for this disease.

NM_001384140.1(PCDH15):c.1590+15A>G

Gene: PCDH15 (protocadherin related 15; minus strand). Cytogenetic location: 10q21.1.
Variant type: single nucleotide variant.
Coding change: c.1590+15A>G on transcript NM_001384140.1 (MANE Select); 15 bases into the intron after coding-DNA position 1590, A replaced by G.
Molecular consequence: intron variant.
Genome position (GRCh38, 1-based): chr10:54,183,429, T>C on the plus strand (A>G on the coding strand, the complement: PCDH15 is on the minus strand). VCF-style: chr10-54183429-T-C. GRCh37 (hg19) VCF-style: chr10-55943189-T-C.
Other names: c.1590+15A>G (NM_001354420.2, NM_001354429.2, NM_001142772.2 and 6 more transcripts); c.1605+15A>G (NM_001142771.2, NM_001142763.2); c.1611+15A>G (NM_001354411.2); c.1626+15A>G (NM_001142769.3); c.1524+15A>G (NM_001354404.2, NM_001142773.2, NM_001142768.2); c.1479+15A>G (NM_001142767.2).
Identifiers: ClinVar variation 300195 (VCV000300195.13), dbSNP rs565203752, ClinGen allele CA5506333.